The following is an entry in ClinVar:

NM_080732.4(EGLN2):c.1186G>A (p.Val396Ile)

Genes: EGLN2 (egl-9 family hypoxia inducible factor 2; plus strand), RAB4B-EGLN2 (RAB4B-EGLN2 readthrough (NMD candidate); plus strand). Cytogenetic location: 19q13.2.
Variant type: single nucleotide variant.
Coding change: c.1186G>A on transcript NM_080732.4 (MANE Select); coding-DNA position 1186, G replaced by A.
Protein change: p.Val396Ile; replaces valine 396 with isoleucine.
Molecular consequence: missense variant. On other transcripts: non-coding transcript variant (1).
Genome position (GRCh38, 1-based): chr19:40,807,826, G>A. VCF-style: chr19-40807826-G-A. GRCh37 (hg19) VCF-style: chr19-41313731-G-A.
Other names: c.1186G>A, p.Val396Ile (NM_053046.4); short protein forms V396I.
Identifiers: ClinVar variation 1743573 (VCV001743573.3), dbSNP rs1183952434, ClinGen allele CA405956893.

ClinVar aggregate classification (germline): Uncertain significance (1 of 4 stars; one submission).

Allele frequency attached by ClinVar (database versions not stated): gnomAD exomes below 0.00001.
gnomAD v4.1: 2 of 1,614,174 alleles (0.00012%); highest among the groups gnomAD compares: Non-Finnish European, 0.00017%; no homozygotes.

Submission:

Ambry Genetics
Classification: Uncertain significance. Last evaluated: 2024-09-12. Review status: criteria provided, single submitter. Criteria: Ambry Variant Classification Scheme 2023. Collection method: clinical testing. Allele origin: germline.
Comment: The p.V396I variant (also known as c.1186G>A), located in coding exon 5 of the EGLN2 gene, results from a G to A substitution at nucleotide position 1186. The valine at codon 396 is replaced by isoleucine, an amino acid with highly similar properties. This amino acid position is conserved. In addition, this alteration is predicted to be tolerated by in silico analysis. Since supporting evidence is limited at this time, the clinical significance of this alteration remains unclear.